The following is an entry in ClinVar:

ClinVar aggregate classification (germline): Uncertain significance. Review status: criteria provided, multiple submitters, no conflicts (2 of 4 stars). 2 submissions from 2 submitters: Uncertain significance (2). Last evaluated 2025-08-19.

Conditions:
Focal segmental glomerulosclerosis 1 (FSGS1). Identifiers: Orphanet 656, MedGen C4551527, MONDO:0011303, OMIM 603278.

gnomAD v4.1: 8 of 1,612,444 alleles (0.0005%); highest among the groups gnomAD compares: East Asian, 0.0022%; no homozygotes.

Submissions (2):

Labcorp Genetics (formerly Invitae), Labcorp
Classification: Uncertain significance. Last evaluated: 2025-08-19. Review status: criteria provided, single submitter. Criteria: Invitae Variant Classification Sherloc (09022015). Collection method: clinical testing. Allele origin: germline.
Comment: This sequence change replaces arginine, which is basic and polar, with histidine, which is basic and polar, at codon 882 of the ACTN4 protein (p.Arg882His). This variant is not present in population databases (gnomAD no frequency). This variant has not been reported in the literature in individuals affected with ACTN4-related conditions. ClinVar contains an entry for this variant (Variation ID: 3583838). An algorithm developed to predict the effect of missense changes on protein structure and function (PolyPhen-2) suggests that this variant is likely to be disruptive. In summary, the available evidence is currently insufficient to determine the role of this variant in disease. Therefore, it has been classified as a Variant of Uncertain Significance.

Fulgent Genetics
Classification: Uncertain significance for Focal segmental glomerulosclerosis 1. Last evaluated: 2024-06-03. Review status: criteria provided, single submitter. Criteria: ACMG Guidelines, 2015. Collection method: clinical testing. Allele origin: germline.

NM_004924.6(ACTN4):c.2645G>A (p.Arg882His)

Gene: ACTN4 (actinin alpha 4; plus strand). Cytogenetic location: 19q13.2.
Variant type: single nucleotide variant.
Coding change: c.2645G>A on transcript NM_004924.6 (MANE Select); coding-DNA position 2645, G replaced by A.
Protein change: p.Arg882His; replaces arginine 882 with histidine.
Molecular consequence: missense variant.
Genome position (GRCh38, 1-based): chr19:38,729,341, G>A. VCF-style: chr19-38729341-G-A. GRCh37 (hg19) VCF-style: chr19-39219981-G-A.
Other names: c.2630G>A, p.Arg877His (NM_001322033.2); c.2645G>A, p.Arg882His (NM_001411143.1); short protein forms R882H, R877H.
Identifiers: ClinVar variation 3583838 (VCV003583838.2).